The following is an entry in ClinVar:

ClinVar aggregate classification (germline): Uncertain significance (1 of 4 stars; one submission).

Submission:

Labcorp Genetics (formerly Invitae), Labcorp
Classification: Uncertain significance. Last evaluated: 2022-07-06. Review status: criteria provided, single submitter. Criteria: Invitae Variant Classification Sherloc (09022015). Collection method: clinical testing. Allele origin: germline.
Comment: In summary, the available evidence is currently insufficient to determine the role of this variant in disease. Therefore, it has been classified as a Variant of Uncertain Significance. Algorithms developed to predict the effect of missense changes on protein structure and function are either unavailable or do not agree on the potential impact of this missense change (SIFT: "Tolerated"; PolyPhen-2: "Probably Damaging"; Align-GVGD: "Class C0"). This variant has not been reported in the literature in individuals affected with SEMA4A-related conditions. This variant is not present in population databases (gnomAD no frequency). This sequence change replaces threonine, which is neutral and polar, with alanine, which is neutral and non-polar, at codon 688 of the SEMA4A protein (p.Thr688Ala).

NM_022367.4(SEMA4A):c.2062A>G (p.Thr688Ala)

Gene: SEMA4A (semaphorin 4A; plus strand). Cytogenetic location: 1q22.
Variant type: single nucleotide variant.
Coding change: c.2062A>G on transcript NM_022367.4 (MANE Select); coding-DNA position 2062, A replaced by G.
Protein change: p.Thr688Ala; replaces threonine 688 with alanine.
Molecular consequence: missense variant.
Genome position (GRCh38, 1-based): chr1:156,176,773, A>G. VCF-style: chr1-156176773-A-G. GRCh37 (hg19) VCF-style: chr1-156146564-A-G.
Other names: c.2062A>G, p.Thr688Ala (NM_001193300.2, NM_001193301.2, NM_001370567.1); c.1666A>G, p.Thr556Ala (NM_001193302.2); c.1765A>G, p.Thr589Ala (NM_001370568.1); c.1555A>G, p.Thr519Ala (NM_001370569.1, NM_001370571.1); short protein forms T688A, T556A, T519A, T589A.
Identifiers: ClinVar variation 2014730 (VCV002014730.4), dbSNP rs2528327918, ClinGen allele CA342813571.